The following is an entry in ClinVar:

ClinVar aggregate classification (germline): Benign/Likely benign. Review status: criteria provided, multiple submitters, no conflicts (2 of 4 stars). 4 submissions from 4 submitters: Benign (2); Likely benign (1). 1 of the submissions does not count toward it. Last evaluated 2025-06-12.

Conditions:
CELSR2-related disorder. Also called: CELSR2-related condition.

Allele frequency attached by ClinVar (database versions not stated): gnomAD exomes 0.00014 and 0.00033; ExAC 0.00043; 1000 Genomes Project 0.00120; gnomAD 0.00149 and 0.00157; ESP Exome Variant Server 0.00161; 1000 Genomes Project 30x 0.00172; TOPMed 0.00175.
gnomAD v4.1: 439 of 1,613,566 alleles (0.027%); highest among the groups gnomAD compares: African/African-American, 0.5%; no homozygotes.

Submissions (4):

Labcorp Genetics (formerly Invitae), Labcorp
Classification: Benign. Last evaluated: 2025-06-12. Review status: criteria provided, single submitter. Criteria: Invitae Variant Classification Sherloc (09022015). Collection method: clinical testing. Allele origin: germline.

Blueprint Genetics
Classification: Likely benign. Last evaluated: 2023-07-11. Review status: criteria provided, single submitter. Criteria: ACMG Guidelines, 2015. Collection method: clinical testing. Allele origin: germline.

Breakthrough Genomics
Classification: Benign. Review status: criteria provided, single submitter. Criteria: ACMG Guidelines, 2015. Collection method: not provided. Allele origin: germline. Inheritance: Unknown mechanism. Affected: yes.

PreventionGenetics, part of Exact Sciences
Classification: Likely benign for CELSR2-related condition. Last evaluated: 2019-06-07. Review status: no assertion criteria provided. Collection method: clinical testing. Allele origin: germline. Not counted in ClinVar's aggregate classification.
Comment: This variant is classified as likely benign based on ACMG/AMP sequence variant interpretation guidelines (Richards et al. 2015 PMID: 25741868, with internal and published modifications).

NM_001408.3(CELSR2):c.903C>T (p.Asn301=)

Gene: CELSR2 (cadherin EGF LAG seven-pass G-type receptor 2; plus strand). Cytogenetic location: 1p13.3.
Variant type: single nucleotide variant.
Coding change: c.903C>T on transcript NM_001408.3 (MANE Select); coding-DNA position 903, C replaced by T.
Protein change: p.Asn301=; no amino-acid change (asparagine 301 retained).
Molecular consequence: synonymous variant.
Genome position (GRCh38, 1-based): chr1:109,250,982, C>T. VCF-style: chr1-109250982-C-T. GRCh37 (hg19) VCF-style: chr1-109793604-C-T.
Identifiers: ClinVar variation 723963 (VCV000723963.12), dbSNP rs139971294, ClinGen allele CA986469.